The following is an entry in ClinVar:

NM_001003694.2(BRPF1):c.970C>T (p.Pro324Ser)

Gene: BRPF1 (bromodomain and PHD finger containing 1; plus strand). Cytogenetic location: 3p25.3.
Variant type: single nucleotide variant.
Coding change: c.970C>T on transcript NM_001003694.2 (MANE Select); coding-DNA position 970, C replaced by T.
Protein change: p.Pro324Ser; replaces proline 324 with serine.
Molecular consequence: missense variant. On other transcripts: non-coding transcript variant (1).
Genome position (GRCh38, 1-based): chr3:9,739,369, C>T. VCF-style: chr3-9739369-C-T. GRCh37 (hg19) VCF-style: chr3-9781053-C-T.
Other names: c.970C>T, p.Pro324Ser (NM_001319049.2, NM_001319050.2, NM_001410704.1 and 1 more transcripts); short protein forms P324S.
Identifiers: ClinVar variation 3897072 (VCV003897072.1).
Genomic context (GRCh38, chr3:9,739,369, plus strand): 5'-TGCTACGGTGTCCCCTATATCCCTGAGGGCCAGTGGCTGTGCCGCCGTTGCCTGCAGTCA[C>T]CCTCTCGTGCTGTGGATTGTGCCCTGTGCCCCAACAAGGGCGGTGCCTTCAAGCAGACAG-3'
Protein context (NP_001003694.1, residues 314-334): QWLCRRCLQS[Pro324Ser]SRAVDCALCP

ClinVar aggregate classification (germline): Uncertain significance (1 of 4 stars; one submission).

Submission:

GeneDx
Classification: Uncertain significance. Last evaluated: 2024-10-31. Review status: criteria provided, single submitter. Criteria: GeneDx Variant Classification Process June 2021. Collection method: clinical testing. Allele origin: germline. Affected: yes.
Comment: Not observed at significant frequency in large population cohorts (gnomAD); In silico analysis supports that this missense variant has a deleterious effect on protein structure/function; Has not been previously published as pathogenic or benign to our knowledge